The following is an entry in ClinVar:

ClinVar aggregate classification (germline): Uncertain significance. Review status: criteria provided, multiple submitters, no conflicts (2 of 4 stars). 2 submissions from 2 submitters: Uncertain significance (2). Last evaluated 2024-07-09.

Conditions:
Inborn genetic diseases. Identifiers: MedGen C0950123, MeSH D030342.
Evans syndrome, immunodeficiency, and premature immunosenescence associated with tripeptidyl-peptidase II deficiency. Identifiers: MedGen CN231723. Disease mechanism: loss of function.

Allele frequency attached by ClinVar (database versions not stated): gnomAD exomes below 0.00001; ExAC 0.00001.
gnomAD v4.1: 1 of 1,613,870 alleles (0.000062%); highest among the groups gnomAD compares: Non-Finnish European, 0.000085%; no homozygotes.

Submissions (2):

Ambry Genetics
Classification: Uncertain significance for Inborn genetic diseases. Last evaluated: 2024-07-09. Review status: criteria provided, single submitter. Criteria: Ambry Variant Classification Scheme 2023. Collection method: clinical testing. Allele origin: germline.

Labcorp Genetics (formerly Invitae), Labcorp
Classification: Uncertain significance for Evans syndrome, immunodeficiency, and premature immunosenescence associated with tripeptidyl-peptidase II deficiency. Last evaluated: 2022-06-02. Review status: criteria provided, single submitter. Criteria: Invitae Variant Classification Sherloc (09022015). Collection method: clinical testing. Allele origin: germline.
Comment: In summary, the available evidence is currently insufficient to determine the role of this variant in disease. Therefore, it has been classified as a Variant of Uncertain Significance. Algorithms developed to predict the effect of missense changes on protein structure and function are either unavailable or do not agree on the potential impact of this missense change (SIFT: "Deleterious"; PolyPhen-2: "Probably Damaging"; Align-GVGD: "Class C0"). This variant has not been reported in the literature in individuals affected with TPP2-related conditions. This variant is present in population databases (rs779128756, gnomAD 0.007%). This sequence change replaces glutamic acid, which is acidic and polar, with glycine, which is neutral and non-polar, at codon 851 of the TPP2 protein (p.Glu851Gly).

NM_001330588.2(TPP2):c.2552A>G (p.Glu851Gly)

Gene: TPP2 (tripeptidyl peptidase 2; plus strand). Cytogenetic location: 13q33.1.
Variant type: single nucleotide variant.
Coding change: c.2552A>G on transcript NM_001330588.2 (MANE Select); coding-DNA position 2552, A replaced by G.
Protein change: p.Glu851Gly; replaces glutamic acid 851 with glycine.
Molecular consequence: missense variant. On other transcripts: non-coding transcript variant (1).
Genome position (GRCh38, 1-based): chr13:102,647,268, A>G. VCF-style: chr13-102647268-A-G. GRCh37 (hg19) VCF-style: chr13-103299618-A-G.
Other names: c.2552A>G, p.Glu851Gly (NM_001367947.1, NM_003291.4); c.2552A>G (NM_003291.2); short protein forms E851G.
Identifiers: ClinVar variation 2200330 (VCV002200330.5), dbSNP rs779128756, ClinGen allele CA7038038.
Genomic context (GRCh38, chr13:102,647,268, plus strand): 5'-CCAAGAGTGGGGAAGTAACTCCAAGCTGCCCACTACTTTGTGAACTATTATATGAATCTG[A>G]ATTTGACAGCCAACTGTGGATTATTTTTGACCAGAACAAAAGACAGATGGGTTCAGGCGA-3'
Protein context (NP_001317517.1, residues 841-861): PLLCELLYES[Glu851Gly]FDSQLWIIFD